The following is an entry in ClinVar:

NM_001134363.3(RBM20):c.2096A>G (p.Asp699Gly)

Gene: RBM20 (RNA binding motif protein 20; plus strand). Cytogenetic location: 10q25.2.
Variant type: single nucleotide variant.
Coding change: c.2096A>G on transcript NM_001134363.3 (MANE Select); coding-DNA position 2096, A replaced by G.
Protein change: p.Asp699Gly; replaces aspartic acid 699 with glycine.
Molecular consequence: missense variant.
Genome position (GRCh38, 1-based): chr10:110,812,493, A>G. VCF-style: chr10-110812493-A-G. GRCh37 (hg19) VCF-style: chr10-112572251-A-G.
Other names: short protein forms D699G.
Identifiers: ClinVar variation 4086733 (VCV004086733.1).

ClinVar aggregate classification (germline): Uncertain significance (1 of 4 stars; one submission).

gnomAD v4.1: 3 of 1,551,662 alleles (0.00019%); highest among the groups gnomAD compares: Non-Finnish European, 0.00026%; no homozygotes.

Submission:

GeneDx
Classification: Uncertain significance. Last evaluated: 2025-03-20. Review status: criteria provided, single submitter. Criteria: GeneDx Variant Classification Process June 2021. Collection method: clinical testing. Allele origin: germline. Affected: yes.
Comment: Not observed at significant frequency in large population cohorts (gnomAD); In silico analysis supports that this missense variant has a deleterious effect on protein structure/function; Has not been previously published as pathogenic or benign to our knowledge